The following is an entry in ClinVar:

ClinVar aggregate classification (germline): Uncertain significance (1 of 4 stars; one submission).

Conditions:
MYBPC2-related disorder. Also called: MYBPC2-related condition.

Submission:

PreventionGenetics, part of Exact Sciences
Classification: Uncertain significance for MYBPC2-related condition. Last evaluated: 2023-05-01. Review status: criteria provided, single submitter. Criteria: ACMG Guidelines, 2015. Collection method: clinical testing. Allele origin: germline.
Comment: The MYBPC2 c.134_137delCGAC variant is predicted to result in a frameshift and premature protein termination (p.Pro45Leufs*10). To our knowledge, this variant has not been reported in the literature or in a large population database, indicating this variant is rare. At this time, the clinical significance of this variant is uncertain due to the absence of conclusive functional and genetic evidence.

NM_004533.4(MYBPC2):c.134_137del (p.Pro45fs)

Gene: MYBPC2 (myosin binding protein C2; plus strand). Cytogenetic location: 19q13.33.
Variant type: Deletion.
Coding change: c.134_137del on transcript NM_004533.4 (MANE Select); coding-DNA positions 134 to 137, 4 bases deleted (CGAC; older notation c.134_137delCGAC).
Protein change: p.Pro45fs; shifts the reading frame from proline 45.
Molecular consequence: frameshift variant.
Genome position (GRCh38, 1-based): chr19:50,435,800-50,435,803, CGAC deleted; deleting any 4 consecutive bases within chr19:50,435,799-50,435,803 gives the same sequence; the c. name uses the placement nearest the transcript's 3' end. VCF-style (leftmost placement, unchanged base first): chr19-50435798-CCCGA-C. GRCh37 (hg19) VCF-style: chr19-50939055-CCCGA-C.
Other names: short protein forms P45fs.
Identifiers: ClinVar variation 2636695 (VCV002636695.1), dbSNP rs2039696947, ClinGen allele CA2340900309.